The following is an entry in ClinVar:

NM_000344.4(SMN1):c.597dup (p.Met200fs)

Gene: SMN1 (survival of motor neuron 1, telomeric). Cytogenetic location: 5q13.2.
Variant type: Duplication.
Coding change: c.597dup on transcript NM_000344.4 (MANE Select); coding-DNA position 597, one base duplicated.
Protein change: p.Met200fs; shifts the reading frame from methionine 200.
Molecular consequence: frameshift variant.
Genome position: GRCh38 VCF-style: chr5-70942834-A-AC. GRCh37 (hg19) VCF-style: chr5-70238661-A-AC.
Other names: c.596dup (NM_000344.4); c.597dup, p.Met200fs (NM_001297715.1, NM_022874.2); short protein forms M200fs.
Identifiers: ClinVar variation 2690718 (VCV002690718.4), dbSNP rs2532112991, ClinGen allele CA2697546686.

ClinVar aggregate classification (germline): Pathogenic/Likely pathogenic. Review status: criteria provided, multiple submitters, no conflicts (2 of 4 stars). 2 submissions from 2 submitters: Pathogenic (1); Likely pathogenic (1). Last evaluated 2024-06-04.

Conditions:
Werdnig-Hoffmann disease (SMA1). Also called: SMA I; SMA, INFANTILE ACUTE FORM; HMN (Hereditary Motor Neuropathy) Proximal Type I; MUSCULAR ATROPHY, INFANTILE. Identifiers: Orphanet 83330, MedGen C5848259, MONDO:0009669, OMIM 253300. Disease mechanism: loss of function.

Submissions (2):

DNA-diagnostics Laboratory, Research Centre For Medical Genetics
Classification: Pathogenic for Werdnig-Hoffmann disease. Last evaluated: 2024-06-04. Review status: criteria provided, single submitter. Criteria: ACMG Guidelines, 2015. Collection method: clinical testing. Allele origin: paternal. Inheritance: Autosomal recessive inheritance. Affected: yes.
Comment: The Met200Hisfs*56 variant in the SMN1 gene fulfils the ACMG criteria: PM2, PVS1, PM3, PP4

Revvity Omics, Revvity
Classification: Likely pathogenic. Last evaluated: 2023-05-18. Review status: criteria provided, single submitter. Criteria: ACMG Guidelines, 2015. Collection method: clinical testing. Allele origin: germline.